The following is an entry in ClinVar:

ClinVar aggregate classification (germline): Benign. Review status: criteria provided, multiple submitters, no conflicts (2 of 4 stars). 13 submissions from 13 submitters: Benign (11). 2 of the submissions do not count toward it. Last evaluated 2026-02-03.

Conditions:
Microcephaly 2, primary, autosomal recessive, with or without cortical malformations. Also called: WDR62 Primary Microcephaly; MICROCEPHALY 2, PRIMARY, AUTOSOMAL RECESSIVE, WITH CORTICAL MALFORMATIONS. Identifiers: Orphanet 2512, MedGen C1858535, MONDO:0011435, OMIM 604317.

Allele frequency attached by ClinVar (database versions not stated): ExAC 0.64256; gnomAD exomes 0.64616 and 0.65316; 1000 Genomes Project 0.65415; 1000 Genomes Project 30x 0.65662; ESP Exome Variant Server 0.67346; gnomAD 0.67883 and 0.68524; TOPMed 0.67944.
gnomAD v4.1: 1,056,502 of 1,613,118 alleles (65%); highest among the groups gnomAD compares: African/African-American, 73%; 348,078 homozygotes.

Submissions (13):

Labcorp Genetics (formerly Invitae), Labcorp
Classification: Benign. Last evaluated: 2026-02-03. Review status: criteria provided, single submitter. Criteria: Invitae Variant Classification Sherloc (09022015). Collection method: clinical testing. Allele origin: germline.

Blueprint Genetics
Classification: Benign. Last evaluated: 2024-11-28. Review status: criteria provided, single submitter. Criteria: ACMG Guidelines, 2015. Collection method: clinical testing. Allele origin: germline.

Genome-Nilou Lab
Classification: Benign for Microcephaly 2, primary, autosomal recessive, with or without cortical malformations. Last evaluated: 2021-12-05. Review status: criteria provided, single submitter. Criteria: ACMG Guidelines, 2015. Collection method: clinical testing. Allele origin: germline. Affected: no.

Mayo Clinic Laboratories, Mayo Clinic
Classification: Benign. Last evaluated: 2018-04-02. Review status: criteria provided, single submitter. Criteria: ACMG Guidelines, 2015. Collection method: clinical testing. Allele origin: germline. Observed: 459 variant alleles.

Illumina Laboratory Services, Illumina
Classification: Benign for Microcephaly 2, primary, autosomal recessive, with or without cortical malformations. Last evaluated: 2018-01-13. Review status: criteria provided, single submitter. Criteria: ICSL Variant Classification Criteria 13 December 2019. Collection method: clinical testing. Allele origin: germline.
Comment: This variant was observed in the ICSL laboratory as part of a predisposition screen in an ostensibly healthy population. It had not been previously curated by ICSL or reported in the Human Gene Mutation Database (HGMD: prior to June 1st, 2018), and was therefore a candidate for classification through an automated scoring system. Utilizing variant allele frequency, disease prevalence and penetrance estimates, and inheritance mode, an automated score was calculated to assess if this variant is too frequent to cause the disease. Based on the score and internal cut-off values, a variant classified as benign is not then subjected to further curation. The score for this variant resulted in a classification of benign for this disease.

Athena Diagnostics
Classification: Benign. Last evaluated: 2017-06-05. Review status: criteria provided, single submitter. Criteria: Athena Diagnostics Criteria. Collection method: clinical testing. Allele origin: germline.

Clinical Genetics DNA and cytogenetics Diagnostics Lab, Erasmus MC, Erasmus Medical Center
Classification: Benign for Microcephaly 2, primary, autosomal recessive, with or without cortical malformations. Last evaluated: 2015-09-21. Review status: criteria provided, single submitter. Criteria: ACGS Guidelines, 2013. Collection method: clinical testing. Allele origin: germline. Affected: yes. Study: VKGL Data-share Consensus.

GeneDx
Classification: Benign. Last evaluated: 2015-03-03. Review status: criteria provided, single submitter. Criteria: GeneDx Variant Classification Process June 2021. Collection method: clinical testing. Allele origin: germline. Affected: yes.

Genetic Services Laboratory, University of Chicago
Classification: Benign. Last evaluated: 2013-02-08. Review status: criteria provided, single submitter. Criteria: ACMG Guidelines, 2007. Collection method: clinical testing. Allele origin: germline. Inheritance: Autosomal recessive inheritance.

Breakthrough Genomics
Classification: Benign. Review status: criteria provided, single submitter. Criteria: ACMG Guidelines, 2015. Collection method: not provided. Allele origin: germline. Inheritance: Autosomal recessive inheritance. Affected: yes.

PreventionGenetics, part of Exact Sciences
Classification: Benign. Review status: criteria provided, single submitter. Criteria: ACMG Guidelines, 2015. Collection method: clinical testing. Allele origin: germline.

Diagnostic Laboratory, Department of Genetics, University Medical Center Groningen
Classification: Benign for Microcephaly 2, primary, autosomal recessive, with or without cortical malformations. Review status: no assertion criteria provided. Collection method: clinical testing. Allele origin: germline. Affected: yes. Study: VKGL Data-share Consensus. Not counted in ClinVar's aggregate classification.

Joint Genome Diagnostic Labs from Nijmegen and Maastricht, Radboudumc and MUMC+
Classification: Benign. Review status: no assertion criteria provided. Collection method: clinical testing. Allele origin: germline. Affected: yes. Study: VKGL Data-share Consensus. Not counted in ClinVar's aggregate classification.

NM_001083961.2(WDR62):c.2549T>C (p.Leu850Ser)

Gene: WDR62 (WD repeat domain 62; plus strand). Cytogenetic location: 19q13.12.
Variant type: single nucleotide variant.
Coding change: c.2549T>C on transcript NM_001083961.2 (MANE Select); coding-DNA position 2549, T replaced by C.
Protein change: p.Leu850Ser; replaces leucine 850 with serine.
Molecular consequence: missense variant.
Genome position (GRCh38, 1-based): chr19:36,099,427, T>C. VCF-style: chr19-36099427-T-C. GRCh37 (hg19) VCF-style: chr19-36590329-T-C.
Other names: c.2549T>C, p.Leu850Ser (NM_173636.5); short protein forms L850S.
Identifiers: ClinVar variation 160269 (VCV000160269.26), dbSNP rs2285745, ClinGen allele CA173917.